The following is an entry in ClinVar:

NM_000041.4(APOE):c.688G>A (p.Glu230Lys)

Gene: APOE (apolipoprotein E; plus strand). Cytogenetic location: 19q13.32.
Variant type: single nucleotide variant.
Coding change: c.688G>A on transcript NM_000041.4 (MANE Select); coding-DNA position 688, G replaced by A.
Protein change: p.Glu230Lys; replaces glutamic acid 230 with lysine.
Molecular consequence: missense variant.
Genome position (GRCh38, 1-based): chr19:44,908,984, G>A. VCF-style: chr19-44908984-G-A. GRCh37 (hg19) VCF-style: chr19-45412241-G-A.
Other names: c.766G>A, p.Glu256Lys (NM_001302688.2); c.688G>A, p.Glu230Lys (NM_001302689.2, NM_001302690.2, NM_001302691.2); short protein forms E230K, E256K.
Identifiers: ClinVar variation 1315806 (VCV001315806.5), dbSNP rs567353589, ClinGen allele CA308885947.
Genomic context (GRCh38, chr19:44,908,984, plus strand): 5'-GCCGCCACTGTGGGCTCCCTGGCCGGCCAGCCGCTACAGGAGCGGGCCCAGGCCTGGGGC[G>A]AGCGGCTGCGCGCGCGGATGGAGGAGATGGGCAGCCGGACCCGCGACCGCCTGGACGAGG-3'
Protein context (NP_000032.1, residues 220-240): PLQERAQAWG[Glu230Lys]RLRARMEEMG

ClinVar aggregate classification (germline): Uncertain significance. Review status: criteria provided, multiple submitters, no conflicts (2 of 4 stars). 4 submissions from 4 submitters: Uncertain significance (4). Last evaluated 2025-03-28.

Conditions:
Familial type 3 hyperlipoproteinemia. Also called: Hyperlipoproteinemia type 3; Hyperlipoproteinemia type III; Dysbetalipoproteinemia; Familial dysbetalipoproteinemia; Broad beta disease; Remnant removal disease. Identifiers: Orphanet 412, MedGen C0020479, MONDO:0018473, OMIM 617347.
Age related macular degeneration 1 (ARMD1). Also called: MACULOPATHY, AGE-RELATED, 1. Identifiers: MedGen C1864205, MONDO:0011285, OMIM 603075.
Alzheimer disease 2 (AD2). Also called: ALZHEIMER DISEASE 2, LATE-ONSET; ALZHEIMER DISEASE ASSOCIATED WITH APOE4. Identifiers: Orphanet 1020, MedGen C1863051, MONDO:0007089, OMIM 104310.
Lipoprotein glomerulopathy (LPG). Identifiers: Orphanet 329481, MedGen C2673196, MONDO:0012725, OMIM 611771.
Alzheimer disease 4 (AD4). Identifiers: Orphanet 1020, MedGen C1847200, MONDO:0011743, OMIM 606889.
Alzheimer disease 3 (AD3). Also called: ALZHEIMER DISEASE, FAMILIAL, 3. Identifiers: Orphanet 1020, MedGen C1843013, MONDO:0011913, OMIM 607822.
Sea-blue histiocyte syndrome. Also called: Sea-blue histiocytosis; SEA-BLUE HISTIOCYTE DISEASE. Identifiers: Orphanet 158029, MedGen C0036489, MONDO:0010017, OMIM 269600, HP:0001982.
APOE-related disorder. Also called: APOE-related condition.

Allele frequency attached by ClinVar (database versions not stated): gnomAD exomes 0.00002; TOPMed 0.00002; 1000 Genomes Project 30x 0.00016; 1000 Genomes Project 0.00020.
gnomAD v4.1: 37 of 1,532,286 alleles (0.0024%); highest among the groups gnomAD compares: Middle Eastern, 0.13%; no homozygotes.

Submissions (4):

PreventionGenetics, part of Exact Sciences
Classification: Uncertain significance for APOE-related condition. Last evaluated: 2025-03-28. Review status: criteria provided, single submitter. Criteria: ACMG Guidelines, 2015. Collection method: clinical testing. Allele origin: germline.
Comment: The APOE c.688G>A variant is predicted to result in the amino acid substitution p.Glu230Lys. This variant, which is alternatively referred to as p.Glu212Lys using legacy nomenclature, has been reported in the homozygous and heterozygous state in a family with hyperlipidemia, although conclusive evidence of pathogenicity was not presented (Feussner et al 1996. PubMed ID: 8864947). This variant has also been reported in the heterozygous state in an individual with dysbetalipoproteinemia (Blokhina et al. 2024. PubMed ID: 39684364). This variant is reported in 0.0021% of alleles in individuals of European (Non-Finnish) descent in gnomAD. Although we suspect that this variant may be pathogenic, at this time, the clinical significance of this variant is uncertain due to the absence of conclusive functional and genetic evidence.

Fulgent Genetics
Classification: Uncertain significance for Alzheimer disease 2; Sea-blue histiocyte syndrome; Age related macular degeneration 1; Alzheimer disease 4; Alzheimer disease 3; Lipoprotein glomerulopathy; Familial type 3 hyperlipoproteinemia. Last evaluated: 2022-03-03. Review status: criteria provided, single submitter. Criteria: ACMG Guidelines, 2015. Collection method: clinical testing. Allele origin: unknown.

CENTOGENE GmbH and LLC - Guiding Precision Medicine
Classification: Uncertain significance for Lipoprotein glomerulopathy. Last evaluated: 2020-03-03. Review status: criteria provided, single submitter. Criteria: ACMG Guidelines, 2015. Collection method: clinical testing. Allele origin: germline.

GeneDx
Classification: Uncertain significance. Last evaluated: 2019-09-30. Review status: criteria provided, single submitter. Criteria: GeneDx Variant Classification Process June 2021. Collection method: clinical testing. Allele origin: germline. Affected: yes.
Comment: Reported in a Turkish family with combined hyperlipidemia, reported as E212K (Feussner et al., 1996); Not observed at a significant frequency in large population cohorts (Lek et al., 2016); Functional studies suggest that this variant may lead to protein dysfunction; however, additional studies are needed to validate the functional effect of this variant (Feussner et al., 1996); In silico analysis, which includes protein predictors and evolutionary conservation, supports that this variant does not alter protein structure/function; This variant is associated with the following publications: (PMID: 8864947, 16621646)